The following is an entry in ClinVar:

NM_001371623.1(TCOF1):c.3872C>T (p.Ala1291Val)

Gene: TCOF1 (treacle ribosome biogenesis factor 1; plus strand). Cytogenetic location: 5q32.
Variant type: single nucleotide variant.
Coding change: c.3872C>T on transcript NM_001371623.1 (MANE Select); coding-DNA position 3872, C replaced by T.
Protein change: p.Ala1291Val; replaces alanine 1291 with valine.
Molecular consequence: missense variant.
Genome position (GRCh38, 1-based): chr5:150,396,369, C>T. VCF-style: chr5-150396369-C-T. GRCh37 (hg19) VCF-style: chr5-149775932-C-T.
Other names: c.3638C>T, p.Ala1213Val (NM_000356.4); c.3869C>T, p.Ala1290Val (NM_001135243.2); c.3758C>T, p.Ala1253Val (NM_001135244.2); c.3641C>T, p.Ala1214Val (NM_001135245.2); c.3755C>T, p.Ala1252Val (NM_001195141.2); short protein forms A1252V, A1253V, A1214V, A1213V, A1290V, A1291V.
Identifiers: ClinVar variation 2153750 (VCV002153750.4), dbSNP rs201368732, ClinGen allele CA3511627.

ClinVar aggregate classification (germline): Uncertain significance (1 of 4 stars; one submission).

Conditions:
Treacher Collins syndrome 1 (TCS1). Also called: TCOF1-Related Treacher Collins Syndrome. Identifiers: Orphanet 861, MedGen CN315775, MONDO:0007944, OMIM 154500.

Allele frequency attached by ClinVar (database versions not stated): gnomAD exomes 0.00001; TOPMed 0.00002; gnomAD 0.00003; ExAC 0.00004.
gnomAD v4.1: 21 of 1,613,838 alleles (0.0013%); highest among the groups gnomAD compares: East Asian, 0.0045%; no homozygotes.

Submission:

Labcorp Genetics (formerly Invitae), Labcorp
Classification: Uncertain significance for Treacher Collins syndrome 1. Last evaluated: 2021-12-22. Review status: criteria provided, single submitter. Criteria: Invitae Variant Classification Sherloc (09022015). Collection method: clinical testing. Allele origin: germline.
Comment: Algorithms developed to predict the effect of missense changes on protein structure and function output the following: SIFT: "Tolerated"; PolyPhen-2: "Benign"; Align-GVGD: "Class C0". The valine amino acid residue is found in multiple mammalian species, which suggests that this missense change does not adversely affect protein function. In summary, the available evidence is currently insufficient to determine the role of this variant in disease. Therefore, it has been classified as a Variant of Uncertain Significance. This variant has not been reported in the literature in individuals affected with TCOF1-related conditions. This variant is present in population databases (rs201368732, gnomAD 0.02%). This sequence change replaces alanine, which is neutral and non-polar, with valine, which is neutral and non-polar, at codon 1290 of the TCOF1 protein (p.Ala1290Val).